The following is an entry in ClinVar:

NM_001105206.3(LAMA4):c.51G>A (p.Trp17Ter)

Genes: LAMA4 (laminin subunit alpha 4; minus strand), LAMA4-AS1 (LAMA4 antisense RNA 1; plus strand). Cytogenetic location: 6q21.
Variant type: single nucleotide variant.
Coding change: c.51G>A on transcript NM_001105206.3 (MANE Select); coding-DNA position 51, G replaced by A.
Protein change: p.Trp17Ter; replaces tryptophan 17 with a stop codon.
Molecular consequence: nonsense.
Genome position (GRCh38, 1-based): chr6:112,254,100, C>T on the plus strand (G>A on the coding strand, the complement: LAMA4 is on the minus strand). VCF-style: chr6-112254100-C-T. GRCh37 (hg19) VCF-style: chr6-112575302-C-T.
Other names: c.51G>A, p.Trp17Ter (NM_001105207.3, NM_001105208.3, NM_001105209.3 and 1 more transcripts); short protein forms W17*.
Identifiers: ClinVar variation 1347520 (VCV001347520.6), dbSNP rs782660070, ClinGen allele CA3966351.

ClinVar aggregate classification (germline): Uncertain significance (1 of 4 stars; one submission).

Conditions:
Dilated cardiomyopathy 1JJ (CMD1JJ). Identifiers: Orphanet 154, MedGen C3808935, MONDO:0014095, OMIM 615235.

Allele frequency attached by ClinVar (database versions not stated): gnomAD exomes below 0.00001; TOPMed below 0.00001; ExAC 0.00001.
gnomAD v4.1: 1 of 1,612,688 alleles (0.000062%); highest among the groups gnomAD compares: Admixed American, 0.0017%; no homozygotes.

Submission:

Labcorp Genetics (formerly Invitae), Labcorp
Classification: Uncertain significance for Dilated cardiomyopathy 1JJ. Last evaluated: 2021-04-22. Review status: criteria provided, single submitter. Criteria: Invitae Variant Classification Sherloc (09022015). Collection method: clinical testing. Allele origin: germline.
Comment: This sequence change creates a premature translational stop signal (p.Trp17*) in the LAMA4 gene. It is expected to result in an absent or disrupted protein product. However, the current clinical and genetic evidence is not sufficient to establish whether loss-of-function variants in LAMA4 cause disease. In summary, the available evidence is currently insufficient to determine the role of this variant in disease. Therefore, it has been classified as a Variant of Uncertain Significance. This variant has not been reported in the literature in individuals with LAMA4-related conditions. The frequency data for this variant in the population databases is considered unreliable, as metrics indicate poor data quality at this position in the ExAC database.